The following is an entry in ClinVar:

ClinVar aggregate classification (germline): Uncertain significance. Review status: criteria provided, multiple submitters, no conflicts (2 of 4 stars). 2 submissions from 2 submitters: Uncertain significance (2). Last evaluated 2022-05-07.

Conditions:
McKusick-Kaufman syndrome (MKKS). Also called: HYDROMETROCOLPOS SYNDROME; HYDROMETROCOLPOS, POSTAXIAL POLYDACTYLY, AND CONGENITAL HEART MALFORMATION. Identifiers: Orphanet 2473, MedGen C0948368, MONDO:0009367, OMIM 236700.
Bardet-Biedl syndrome 6 (BBS6). Identifiers: Orphanet 110, MedGen C1858054, MONDO:0011523, OMIM 605231.
Bardet-Biedl syndrome (BBS). Identifiers: Orphanet 110, MedGen C0752166, MONDO:0015229.

Allele frequency attached by ClinVar (database versions not stated): gnomAD exomes below 0.00001.

Submissions (2):

Fulgent Genetics
Classification: Uncertain significance for McKusick-Kaufman syndrome; Bardet-Biedl syndrome 6. Last evaluated: 2022-05-07. Review status: criteria provided, single submitter. Criteria: ACMG Guidelines, 2015. Collection method: clinical testing. Allele origin: unknown.

Labcorp Genetics (formerly Invitae), Labcorp
Classification: Uncertain significance for McKusick-Kaufman syndrome; Bardet-Biedl syndrome. Last evaluated: 2021-08-28. Review status: criteria provided, single submitter. Criteria: Invitae Variant Classification Sherloc (09022015). Collection method: clinical testing. Allele origin: germline.
Comment: This sequence change replaces arginine with glycine at codon 180 of the MKKS protein (p.Arg180Gly). The arginine residue is moderately conserved and there is a moderate physicochemical difference between arginine and glycine. This variant is not present in population databases (ExAC no frequency). This variant has not been reported in the literature in individuals affected with MKKS-related conditions. Algorithms developed to predict the effect of missense changes on protein structure and function are either unavailable or do not agree on the potential impact of this missense change (SIFT: "Deleterious"; PolyPhen-2: "Benign"; Align-GVGD: "Class C0"). In summary, the available evidence is currently insufficient to determine the role of this variant in disease. Therefore, it has been classified as a Variant of Uncertain Significance.

NM_170784.3(MKKS):c.538A>G (p.Arg180Gly)

Gene: MKKS (MKKS centrosomal shuttling protein; minus strand). Cytogenetic location: 20p12.2.
Variant type: single nucleotide variant.
Coding change: c.538A>G on transcript NM_170784.3 (MANE Select); coding-DNA position 538, A replaced by G.
Protein change: p.Arg180Gly; replaces arginine 180 with glycine.
Molecular consequence: missense variant.
Genome position (GRCh38, 1-based): chr20:10,412,977, T>C on the plus strand (A>G on the coding strand, the complement: MKKS is on the minus strand). VCF-style: chr20-10412977-T-C. GRCh37 (hg19) VCF-style: chr20-10393625-T-C.
Other names: c.538A>G, p.Arg180Gly (NM_018848.3); short protein forms R180G.
Identifiers: ClinVar variation 858772 (VCV000858772.8), dbSNP rs1331122376, ClinGen allele CA408232892.